The following is an entry in ClinVar:

ClinVar aggregate classification (germline): Likely benign (1 of 4 stars; one submission).

Allele frequency attached by ClinVar (database versions not stated): 1000 Genomes Project 0.01238; 1000 Genomes Project 30x 0.01327; gnomAD 0.01979; TOPMed 0.02175.

Submission:

GeneDx
Classification: Likely benign. Last evaluated: 2018-06-14. Review status: criteria provided, single submitter. Criteria: GeneDx Variant Classification (06012015). Collection method: clinical testing. Allele origin: germline. Affected: yes.
Comment: This variant is considered likely benign or benign based on one or more of the following criteria: it is a conservative change, it occurs at a poorly conserved position in the protein, it is predicted to be benign by multiple in silico algorithms, and/or has population frequency not consistent with disease.

NM_003239.5(TGFB3):c.754+293T>A

Gene: TGFB3 (transforming growth factor beta 3; minus strand). Cytogenetic location: 14q24.3.
Variant type: single nucleotide variant.
Coding change: c.754+293T>A on transcript NM_003239.5 (MANE Select); 293 bases into the intron after coding-DNA position 754, T replaced by A.
Molecular consequence: intron variant.
Genome position (GRCh38, 1-based): chr14:75,965,295, A>T on the plus strand (T>A on the coding strand, the complement: TGFB3 is on the minus strand). VCF-style: chr14-75965295-A-T. GRCh37 (hg19) VCF-style: chr14-76431638-A-T.
Other names: c.754+293T>A (NM_001329939.2, NM_001329938.2).
Identifiers: ClinVar variation 671335 (VCV000671335.1), dbSNP rs3917193, ClinGen allele CA263704088.